The following is an entry in ClinVar:

NM_024411.5(PDYN):c.74G>A (p.Arg25Gln)

Genes: PDYN (prodynorphin; minus strand), PDYN-AS1 (PDYN antisense RNA 1; plus strand). Cytogenetic location: 20p13.
Variant type: single nucleotide variant.
Coding change: c.74G>A on transcript NM_024411.5 (MANE Select); coding-DNA position 74, G replaced by A.
Protein change: p.Arg25Gln; replaces arginine 25 with glutamine.
Molecular consequence: missense variant.
Genome position (GRCh38, 1-based): chr20:1,983,011, C>T on the plus strand (G>A on the coding strand, the complement: PDYN is on the minus strand). VCF-style: chr20-1983011-C-T. GRCh37 (hg19) VCF-style: chr20-1963657-C-T.
Other names: c.74G>A, p.Arg25Gln (NM_001190892.1, NM_001190898.3, NM_001190899.2 and 1 more transcripts); short protein forms R25Q.
Identifiers: ClinVar variation 1284957 (VCV001284957.10), dbSNP rs369559888, ClinGen allele CA9730390.

ClinVar aggregate classification (germline): Uncertain significance. Review status: criteria provided, single submitter (1 of 4 stars). 3 submissions from 3 submitters: Uncertain significance (1). 2 of the submissions do not count toward it. Last evaluated 2025-10-13.

Allele frequency attached by ClinVar (database versions not stated): gnomAD 0.00005; ESP Exome Variant Server 0.00015.
gnomAD v4.1: 91 of 1,613,896 alleles (0.0056%); highest among the groups gnomAD compares: South Asian, 0.013%; no homozygotes.

Submissions (3):

Labcorp Genetics (formerly Invitae), Labcorp
Classification: Uncertain significance. Last evaluated: 2025-10-13. Review status: criteria provided, single submitter. Criteria: Invitae Variant Classification Sherloc (09022015). Collection method: clinical testing. Allele origin: germline.
Comment: This sequence change replaces arginine, which is basic and polar, with glutamine, which is neutral and polar, at codon 25 of the PDYN protein (p.Arg25Gln). This variant is present in population databases (rs369559888, gnomAD 0.02%). This missense change has been observed in individual(s) with ataxia (PMID: 23108490). ClinVar contains an entry for this variant (Variation ID: 1284957). Invitae Evidence Modeling of protein sequence and biophysical properties (such as structural, functional, and spatial information, amino acid conservation, physicochemical variation, residue mobility, and thermodynamic stability) indicates that this missense variant is not expected to disrupt PDYN protein function with a negative predictive value of 80%. In summary, the available evidence is currently insufficient to determine the role of this variant in disease. Therefore, it has been classified as a Variant of Uncertain Significance.

Clinical Genetics DNA and cytogenetics Diagnostics Lab, Erasmus MC, Erasmus Medical Center
Classification: Likely benign. Review status: no assertion criteria provided. Collection method: clinical testing. Allele origin: germline. Affected: yes. Study: VKGL Data-share Consensus. Not counted in ClinVar's aggregate classification.

Genome Diagnostics Laboratory, University Medical Center Utrecht
Classification: Likely benign. Review status: no assertion criteria provided. Collection method: clinical testing. Allele origin: germline. Affected: yes. Study: VKGL Data-share Consensus. Not counted in ClinVar's aggregate classification.

Literature cited by the submitters: PubMed 23108490 (cited by Labcorp Genetics (formerly Invitae), Labcorp).